The following is an entry in ClinVar:

ClinVar aggregate classification (germline): Uncertain significance (1 of 4 stars; one submission).

Submission:

Labcorp Genetics (formerly Invitae), Labcorp
Classification: Uncertain significance. Last evaluated: 2021-01-23. Review status: criteria provided, single submitter. Criteria: Invitae Variant Classification Sherloc (09022015). Collection method: clinical testing. Allele origin: germline.
Comment: This sequence change replaces glycine with alanine at codon 222 of the CA4 protein (p.Gly222Ala). The glycine residue is highly conserved and there is a small physicochemical difference between glycine and alanine. This variant is not present in population databases (ExAC no frequency). This variant has not been reported in the literature in individuals with CA4-related conditions. Algorithms developed to predict the effect of missense changes on protein structure and function are either unavailable or do not agree on the potential impact of this missense change (SIFT: "Not Available"; PolyPhen-2: "Probably Damaging"; Align-GVGD: "Not Available"). In summary, the available evidence is currently insufficient to determine the role of this variant in disease. Therefore, it has been classified as a Variant of Uncertain Significance.

NM_000717.5(CA4):c.665G>C (p.Gly222Ala)

Gene: CA4 (carbonic anhydrase 4; plus strand). Cytogenetic location: 17q23.1.
Variant type: single nucleotide variant.
Coding change: c.665G>C on transcript NM_000717.5 (MANE Select); coding-DNA position 665, G replaced by C.
Protein change: p.Gly222Ala; replaces glycine 222 with alanine.
Molecular consequence: missense variant. On other transcripts: non-coding transcript variant (1).
Genome position (GRCh38, 1-based): chr17:60,158,367, G>C. VCF-style: chr17-60158367-G-C. GRCh37 (hg19) VCF-style: chr17-58235728-G-C.
Other names: short protein forms G222A.
Identifiers: ClinVar variation 1037818 (VCV001037818.7), dbSNP rs1403296670, ClinGen allele CA400459629.